The following is an entry in ClinVar:

NM_001130438.3(SPTAN1):c.1807-11T>C

Gene: SPTAN1 (spectrin alpha, non-erythrocytic 1; plus strand). Cytogenetic location: 9q34.11.
Variant type: single nucleotide variant.
Coding change: c.1807-11T>C on transcript NM_001130438.3 (MANE Select); 11 bases into the intron before coding-DNA position 1807, T replaced by C.
Molecular consequence: intron variant.
Genome position (GRCh38, 1-based): chr9:128,583,066, T>C. VCF-style: chr9-128583066-T-C. GRCh37 (hg19) VCF-style: chr9-131345345-T-C.
Other names: c.1807-11T>C (NM_001363759.2, NM_003127.4, NM_001363765.2 and 1 more transcripts).
Identifiers: ClinVar variation 139273 (VCV000139273.14), dbSNP rs139049596, ClinGen allele CA293715.

ClinVar aggregate classification (germline): Benign/Likely benign. Review status: criteria provided, multiple submitters, no conflicts (2 of 4 stars). 4 submissions from 4 submitters: Benign (3); Likely benign (1). Last evaluated 2026-02-02.

Conditions:
Early-infantile DEE. Also called: Ohtahara syndrome; Early infantile epileptic encephalopathy; Early infantile epileptic encephalopathy with suppression bursts. Identifiers: Orphanet 1934, MedGen C0393706, MONDO:0800491.

Allele frequency attached by ClinVar (database versions not stated): 1000 Genomes Project 30x 0.00062; 1000 Genomes Project 0.00080; ExAC 0.00085; gnomAD exomes 0.00086 and 0.00137; ESP Exome Variant Server 0.00100; TOPMed 0.00105; gnomAD 0.00111 and 0.00116.

Submissions (7):

Labcorp Genetics (formerly Invitae), Labcorp
Classification: Benign for Early-infantile DEE. Last evaluated: 2026-02-02. Review status: criteria provided, single submitter. Criteria: Invitae Variant Classification Sherloc (09022015). Collection method: clinical testing. Allele origin: germline.

Blueprint Genetics
Classification: Likely benign. Last evaluated: 2024-11-19. Review status: criteria provided, single submitter. Criteria: ACMG Guidelines, 2015. Collection method: clinical testing. Allele origin: germline.

GeneDx
Classification: Benign. Last evaluated: 2013-02-06. Review status: criteria provided, single submitter. Criteria: GeneDx Variant Classification (06012015). Collection method: clinical testing. Allele origin: germline. Affected: yes.
Comment: This variant is considered likely benign or benign based on one or more of the following criteria: it is a conservative change, it occurs at a poorly conserved position in the protein, it is predicted to be benign by multiple in silico algorithms, and/or has population frequency not consistent with disease.

Breakthrough Genomics
Classification: Benign. Review status: criteria provided, single submitter. Criteria: ACMG Guidelines, 2015. Collection method: not provided. Allele origin: germline. Inheritance: Autosomal dominant inheritance. Affected: yes.

Dr. Peter K. Rogan Lab, Western University
No classification provided (evidence only). Condition: Acute myeloid leukemia. Review status: no classification provided. Collection method: in vitro. Allele origin: not applicable. Functional consequence: retained intron. Not counted in ClinVar's aggregate classification.

Dr. Peter K. Rogan Lab, Western University
No classification provided (evidence only). Condition: Acute myeloid leukemia. Review status: no classification provided. Collection method: in vitro. Allele origin: not applicable. Functional consequence: retained intron. Not counted in ClinVar's aggregate classification.

Dr. Peter K. Rogan Lab, Western University
No classification provided (evidence only). Condition: Chronic lymphocytic leukemia/small lymphocytic lymphoma. Review status: no classification provided. Collection method: in vitro. Allele origin: not applicable. Functional consequence: retained intron. Not counted in ClinVar's aggregate classification.